The following is an entry in ClinVar:

NM_014467.3(SRPX2):c.163+12T>C

Gene: SRPX2 (sushi repeat containing protein X-linked 2; plus strand). Cytogenetic location: Xq22.1.
Variant type: single nucleotide variant.
Coding change: c.163+12T>C on transcript NM_014467.3 (MANE Select); 12 bases into the intron after coding-DNA position 163, T replaced by C.
Molecular consequence: intron variant.
Genome position (GRCh38, 1-based): chrX:100,650,877, T>C. VCF-style: chrX-100650877-T-C. GRCh37 (hg19) VCF-style: chrX-99905874-T-C.
Identifiers: ClinVar variation 139327 (VCV000139327.8), dbSNP rs73555462, ClinGen allele CA293770.

ClinVar aggregate classification (germline): Benign. Review status: criteria provided, multiple submitters, no conflicts (2 of 4 stars). 4 submissions from 4 submitters: Benign (2). 2 of the submissions do not count toward it. Last evaluated 2025-12-27.

Conditions:
Rolandic epilepsy, impaired intellectual development, and speech dyspraxia, X-linked. Also called: Rolandic epilepsy, intellectual disability, and speech dyspraxia, X-linked; Rolandic epilepsy, impaired intellectual development, and speech dyspraxia. Identifiers: MedGen C1845070, MONDO:0010388, OMIM 300643.

Allele frequency attached by ClinVar (database versions not stated): gnomAD exomes 0.00242 and 0.00624; ExAC 0.00857; gnomAD 0.02186 and 0.02331; TOPMed 0.02562; 1000 Genomes Project 0.02728; ESP Exome Variant Server 0.02802; 1000 Genomes Project 30x 0.02810.
gnomAD v4.1: 5,158 of 1,192,175 alleles (0.43%); highest among the groups gnomAD compares: African/African-American, 7.8%; 132 homozygotes.

Submissions (4):

Labcorp Genetics (formerly Invitae), Labcorp
Classification: Benign for Rolandic epilepsy, impaired intellectual development, and speech dyspraxia, X-linked. Last evaluated: 2025-12-27. Review status: criteria provided, single submitter. Criteria: Invitae Variant Classification Sherloc (09022015). Collection method: clinical testing. Allele origin: germline.

GeneDx
Classification: Benign. Last evaluated: 2013-01-31. Review status: criteria provided, single submitter. Criteria: GeneDx Variant Classification (06012015). Collection method: clinical testing. Allele origin: germline. Affected: yes.
Comment: This variant is considered likely benign or benign based on one or more of the following criteria: it is a conservative change, it occurs at a poorly conserved position in the protein, it is predicted to be benign by multiple in silico algorithms, and/or has population frequency not consistent with disease.

Clinical Genetics DNA and cytogenetics Diagnostics Lab, Erasmus MC, Erasmus Medical Center
Classification: Benign. Review status: no assertion criteria provided. Collection method: clinical testing. Allele origin: germline. Affected: yes. Study: VKGL Data-share Consensus. Not counted in ClinVar's aggregate classification.

Genome Diagnostics Laboratory, University Medical Center Utrecht
Classification: Benign. Review status: no assertion criteria provided. Collection method: clinical testing. Allele origin: germline. Affected: yes. Study: VKGL Data-share Consensus. Not counted in ClinVar's aggregate classification.